The following is an entry in ClinVar:

NM_014363.6(SACS):c.1240C>G (p.Leu414Val)

Gene: SACS (sacsin molecular chaperone; minus strand). Cytogenetic location: 13q12.12.
Variant type: single nucleotide variant.
Coding change: c.1240C>G on transcript NM_014363.6 (MANE Select); coding-DNA position 1240, C replaced by G.
Protein change: p.Leu414Val; replaces leucine 414 with valine.
Molecular consequence: missense variant.
Genome position (GRCh38, 1-based): chr13:23,355,372, G>C on the plus strand (C>G on the coding strand, the complement: SACS is on the minus strand). VCF-style: chr13-23355372-G-C. GRCh37 (hg19) VCF-style: chr13-23929511-G-C.
Other names: c.799C>G, p.Leu267Val (NM_001278055.2); short protein forms L267V, L414V.
Identifiers: ClinVar variation 3571657 (VCV003571657.1).

ClinVar aggregate classification (germline): Uncertain significance (1 of 4 stars; one submission).

gnomAD v4.1: 2 of 1,614,076 alleles (0.00012%); no homozygotes.

Submission:

Athena Diagnostics
Classification: Uncertain significance. Last evaluated: 2024-02-19. Review status: criteria provided, single submitter. Criteria: Athena Diagnostics Criteria. Collection method: clinical testing. Allele origin: unknown.
Comment: Available data are insufficient to determine the clinical significance of the variant at this time. This variant has not been reported in large, multi-ethnic general populations. Computational tools predict that this variant is not damaging.